The following is an entry in ClinVar:

ClinVar aggregate classification (germline): Uncertain significance (1 of 4 stars; one submission).

Conditions:
Cardiovascular phenotype. Identifiers: MedGen CN230736.

Allele frequency attached by ClinVar (database versions not stated): gnomAD 0.00002; ExAC 0.00002; ESP Exome Variant Server 0.00015; TOPMed 0.00002.

Submission:

Ambry Genetics
Classification: Uncertain significance for Cardiovascular phenotype. Last evaluated: 2026-07-24. Review status: criteria provided, single submitter. Criteria: Ambry Variant Classification Scheme 2023. Collection method: clinical testing. Allele origin: germline.
Comment: The c.186+5G>T intronic variant results from a G to T substitution 5 nucleotides after coding exon 2 in the ANK2 gene. This nucleotide position is well conserved in available vertebrate species. In silico splice site analysis predicts that this alteration will not have any significant effect on splicing. Based on the available evidence, the clinical significance of this variant remains unclear for ANK2-related neurodevelopmental disorder; however, it is unlikely to be causative of arrythmia.

NM_001148.6(ANK2):c.186+5G>T

Gene: ANK2 (ankyrin 2; plus strand). Cytogenetic location: 4q25.
Variant type: single nucleotide variant.
Coding change: c.186+5G>T on transcript NM_001148.6 (MANE Select); 5 bases into the intron after coding-DNA position 186, G replaced by T.
Molecular consequence: intron variant.
Genome position (GRCh38, 1-based): chr4:113,174,522, G>T. VCF-style: chr4-113174522-G-T. GRCh37 (hg19) VCF-style: chr4-114095678-G-T.
Other names: c.123+5G>T (NM_001354260.2, NM_001386157.1, NM_001354277.2 and 33 more transcripts); c.168+5G>T (NM_001354261.2, NM_001386147.1, NM_001386160.1); c.231+5G>T (NM_001354241.2, NM_001386152.1, NM_001354237.2 and 5 more transcripts); c.186+5G>T (NM_001354225.2, NM_001354235.2, NM_001354246.2 and 9 more transcripts); c.237+5G>T (NM_001386174.1, NM_001386175.1); c.174+5G>T (NM_001386186.2, NM_001386148.2, NM_001354269.3 and 1 more transcripts).
Identifiers: ClinVar variation 1781489 (VCV001781489.3), dbSNP rs377612257, ClinGen allele CA3049947.